The following is an entry in ClinVar:

NM_001394998.1(TANC2):c.1034-6T>C

Gene: TANC2 (tetratricopeptide repeat, ankyrin repeat and coiled-coil containing 2; plus strand). Cytogenetic location: 17q23.3.
Variant type: single nucleotide variant.
Coding change: c.1034-6T>C on transcript NM_001394998.1 (MANE Select); 6 bases into the intron before coding-DNA position 1034, T replaced by C.
Molecular consequence: intron variant.
Genome position (GRCh38, 1-based): chr17:63,267,742, T>C. VCF-style: chr17-63267742-T-C. GRCh37 (hg19) VCF-style: chr17-61345103-T-C.
Other names: c.812-6T>C (NM_025185.4).
Identifiers: ClinVar variation 736087 (VCV000736087.6), dbSNP rs200068675, ClinGen allele CA8697491.

ClinVar aggregate classification (germline): Benign. Review status: criteria provided, single submitter (1 of 4 stars). 2 submissions from 2 submitters: Benign (1). 1 of the submissions does not count toward it. Last evaluated 2018-03-02.

Conditions:
TANC2-related disorder. Also called: TANC2-related condition.

Allele frequency attached by ClinVar (database versions not stated): gnomAD exomes 0.00009 and 0.00024; ExAC 0.00030; ESP Exome Variant Server 0.00066; 1000 Genomes Project 0.00100; gnomAD 0.00100 and 0.00107; TOPMed 0.00119; 1000 Genomes Project 30x 0.00187.
gnomAD v4.1: 295 of 1,610,794 alleles (0.018%); highest among the groups gnomAD compares: African/African-American, 0.36%; 2 homozygotes.

Submissions (2):

Labcorp Genetics (formerly Invitae), Labcorp
Classification: Benign. Last evaluated: 2018-03-02. Review status: criteria provided, single submitter. Criteria: Invitae Variant Classification Sherloc (09022015). Collection method: clinical testing. Allele origin: germline.

PreventionGenetics, part of Exact Sciences
Classification: Likely benign for TANC2-related condition. Last evaluated: 2019-02-19. Review status: no assertion criteria provided. Collection method: clinical testing. Allele origin: germline. Not counted in ClinVar's aggregate classification.
Comment: This variant is classified as likely benign based on ACMG/AMP sequence variant interpretation guidelines (Richards et al. 2015 PMID: 25741868, with internal and published modifications).